The following is an entry in ClinVar:

ClinVar aggregate classification (germline): Benign/Likely benign. Review status: criteria provided, multiple submitters, no conflicts (2 of 4 stars). 2 submissions from 2 submitters: Benign (1); Likely benign (1). Last evaluated 2026-05-21.

Conditions:
Neurofibromatosis, type 1 (NF1). Also called: Peripheral type neurofibromatosis; NEUROFIBROMATOSIS, TYPE I, SOMATIC; VON RECKLINGHAUSEN DISEASE; Neurofibromatosis, type I. Identifiers: Orphanet 636, MedGen C0027831, MONDO:0018975, OMIM 162200. Disease mechanism: loss of function.

Submissions (2):

Myriad Genetics, Inc.
Classification: Benign for Neurofibromatosis, type 1. Last evaluated: 2026-05-21. Review status: criteria provided, single submitter. Criteria: Myriad Autosomal Dominant, Autosomal Recessive and X-Linked Classification Criteria (2023). Collection method: clinical testing. Allele origin: unknown.
Comment: This variant is considered benign. This variant is a silent/synonymous amino acid change and it is not expected to impact splicing.

Labcorp Genetics (formerly Invitae), Labcorp
Classification: Likely benign for Neurofibromatosis, type 1. Last evaluated: 2020-10-30. Review status: criteria provided, single submitter. Criteria: Invitae Variant Classification Sherloc (09022015). Collection method: clinical testing. Allele origin: germline.

NM_001042492.3(NF1):c.7272A>G (p.Arg2424=)

Gene: NF1 (neurofibromin 1; plus strand). Cytogenetic location: 17q11.2.
Variant type: single nucleotide variant.
Coding change: c.7272A>G on transcript NM_001042492.3 (MANE Select); coding-DNA position 7272, A replaced by G.
Protein change: p.Arg2424=; no amino-acid change (arginine 2424 retained).
Molecular consequence: synonymous variant.
Genome position (GRCh38, 1-based): chr17:31,349,202, A>G. VCF-style: chr17-31349202-A-G. GRCh37 (hg19) VCF-style: chr17-29676220-A-G.
Other names: c.7209A>G, p.Arg2403= (NM_000267.4).
Identifiers: ClinVar variation 1079512 (VCV001079512.8), dbSNP rs139997141, ClinGen allele CA499239117.